The following is an entry in ClinVar:

NM_000373.4(UMPS):c.*726C>T

Gene: UMPS (uridine monophosphate synthetase; plus strand). Cytogenetic location: 3q21.2.
Variant type: single nucleotide variant.
Coding change: c.*726C>T on transcript NM_000373.4 (MANE Select); 726 bases downstream of the stop codon, C replaced by T.
Molecular consequence: 3 prime UTR variant. On other transcripts: non-coding transcript variant (2).
Genome position (GRCh38, 1-based): chr3:124,744,810, C>T. VCF-style: chr3-124744810-C-T. GRCh37 (hg19) VCF-style: chr3-124463657-C-T.
Identifiers: ClinVar variation 342942 (VCV000342942.6), dbSNP rs649652, ClinGen allele CA2581948.

ClinVar aggregate classification (germline): Benign. Review status: criteria provided, multiple submitters, no conflicts (2 of 4 stars). 2 submissions from 2 submitters: Benign (2). Last evaluated 2018-01-13.

Conditions:
Oroticaciduria. Also called: Orotic aciduria. Identifiers: Orphanet 30, MedGen C0268128, HP:0003218.

Allele frequency attached by ClinVar (database versions not stated): ExAC 0.46956; gnomAD 0.51492 and 0.51631; 1000 Genomes Project 30x 0.53826; TOPMed 0.53384; 1000 Genomes Project 0.53454.
gnomAD v4.1: 228,841 of 453,692 alleles (50%); highest among the groups gnomAD compares: Admixed American, 64%; 59,001 homozygotes.

Submissions (2):

Illumina Laboratory Services, Illumina
Classification: Benign for Hereditary orotic aciduria. Last evaluated: 2018-01-13. Review status: criteria provided, single submitter. Criteria: ICSL Variant Classification Criteria 13 December 2019. Collection method: clinical testing. Allele origin: germline.
Comment: This variant was observed in the ICSL laboratory as part of a predisposition screen in an ostensibly healthy population. It had not been previously curated by ICSL or reported in the Human Gene Mutation Database (HGMD: prior to June 1st, 2018), and was therefore a candidate for classification through an automated scoring system. Utilizing variant allele frequency, disease prevalence and penetrance estimates, and inheritance mode, an automated score was calculated to assess if this variant is too frequent to cause the disease. Based on the score and internal cut-off values, a variant classified as benign is not then subjected to further curation. The score for this variant resulted in a classification of benign for this disease.

Breakthrough Genomics
Classification: Benign. Review status: criteria provided, single submitter. Criteria: ACMG Guidelines, 2015. Collection method: not provided. Allele origin: germline. Inheritance: Autosomal recessive inheritance. Affected: yes.